The following is an entry in ClinVar:

NM_003322.6(TULP1):c.931C>G (p.Arg311Gly)

Gene: TULP1 (TUB like protein 1; minus strand). Cytogenetic location: 6p21.31.
Variant type: single nucleotide variant.
Coding change: c.931C>G on transcript NM_003322.6 (MANE Select); coding-DNA position 931, C replaced by G.
Protein change: p.Arg311Gly; replaces arginine 311 with glycine.
Molecular consequence: missense variant.
Genome position (GRCh38, 1-based): chr6:35,506,071, G>C on the plus strand (C>G on the coding strand, the complement: TULP1 is on the minus strand). VCF-style: chr6-35506071-G-C. GRCh37 (hg19) VCF-style: chr6-35473848-G-C.
Other names: c.931C>G (NM_003322.3); c.772C>G, p.Arg258Gly (NM_001289395.2); short protein forms R258G, R311G.
Identifiers: ClinVar variation 961820 (VCV000961820.10), dbSNP rs373519519, ClinGen allele CA137288530.

ClinVar aggregate classification (germline): Conflicting classifications of pathogenicity. Review status: criteria provided, conflicting classifications (1 of 4 stars). 3 submissions from 3 submitters: Pathogenic (1); Likely pathogenic (1); Uncertain significance (1). Last evaluated 2025-10-15.

Conditions:
TULP1-related disorder. Also called: TULP1-related disorders; TULP1-related condition.

Allele frequency attached by ClinVar (database versions not stated): gnomAD 0.00004; TOPMed 0.00004; ESP Exome Variant Server 0.00008.
gnomAD v4.1: 7 of 1,613,550 alleles (0.00043%); highest among the groups gnomAD compares: African/African-American, 0.0093%; no homozygotes.

Submissions (3):

Labcorp Genetics (formerly Invitae), Labcorp
Classification: Pathogenic. Last evaluated: 2025-10-15. Review status: criteria provided, single submitter. Criteria: Invitae Variant Classification Sherloc (09022015). Collection method: clinical testing. Allele origin: germline.
Comment: This sequence change replaces arginine, which is basic and polar, with glycine, which is neutral and non-polar, at codon 311 of the TULP1 protein (p.Arg311Gly). This variant is present in population databases (rs373519519, gnomAD 0.03%). This missense change has been observed in individuals with retinitis pigmentosa, Leber congenital amaurosis (internal data). ClinVar contains an entry for this variant (Variation ID: 961820). Invitae Evidence Modeling of protein sequence and biophysical properties (such as structural, functional, and spatial information, amino acid conservation, physicochemical variation, residue mobility, and thermodynamic stability) indicates that this missense variant is expected to disrupt TULP1 protein function with a positive predictive value of 95%. This variant disrupts the p.Arg311 amino acid residue in TULP1. Other variant(s) that disrupt this residue have been determined to be pathogenic (PMID: 21792230, 28559085). This suggests that this residue is clinically significant, and that variants that disrupt this residue are likely to be disease-causing. For these reasons, this variant has been classified as Pathogenic.

GeneDx
Classification: Uncertain significance. Last evaluated: 2025-07-23. Review status: criteria provided, single submitter. Criteria: GeneDx Variant Classification Process June 2021. Collection method: clinical testing. Allele origin: germline. Affected: yes.
Comment: Has not been previously published as pathogenic or benign to our knowledge; In silico analysis supports that this missense variant has a deleterious effect on protein structure/function

Blueprint Genetics
Classification: Likely pathogenic for TULP1-related disorders. Last evaluated: 2018-09-06. Review status: criteria provided, single submitter. Criteria: ACMG Guidelines, 2015. Collection method: clinical testing. Allele origin: germline. Affected: yes. Observed: 1 variant allele.

Literature cited by the submitters: PubMed 21792230 (cited by Labcorp Genetics (formerly Invitae), Labcorp); PubMed 28559085 (cited by Labcorp Genetics (formerly Invitae), Labcorp).